The following is an entry in ClinVar:

NM_004614.5(TK2):c.743_744del (p.Leu247_Phe248insTer)

Gene: TK2 (thymidine kinase 2; minus strand). Cytogenetic location: 16q21.
Variant type: Deletion.
Coding change: c.743_744del on transcript NM_004614.5 (MANE Select); coding-DNA positions 743 to 744, 2 bases deleted (TT; older notation c.743_744delTT).
Protein change: p.Leu247_Phe248insTer.
Molecular consequence: nonsense. On other transcripts: 3 prime UTR variant (1), non-coding transcript variant (1).
Genome position (GRCh38, 1-based): chr16:66,512,022-66,512,023, AA deleted on the plus strand (TT on the coding strand, the reverse complement: TK2 is on the minus strand); deleting any 2 consecutive bases within chr16:66,512,022-66,512,024 gives the same sequence; the c. name uses the placement nearest the transcript's 3' end. VCF-style (leftmost placement, unchanged base first): chr16-66512021-CAA-C. GRCh37 (hg19) VCF-style: chr16-66545924-CAA-C.
Other names: c.650_651del, p.Leu216_Phe217insTer (NM_001172643.1); c.668_669del, p.Leu222_Phe223insTer (NM_001172644.2); c.689_690del, p.Leu229_Phe230insTer (NM_001172645.2); c.596_597del, p.Leu198_Phe199insTer (NM_001271934.2); c.*40_*41del (NM_001271935.1); c.452_453del, p.Leu150_Phe151insTer (NM_001272050.2).
Identifiers: ClinVar variation 2839755 (VCV002839755.3), dbSNP rs2507068066, ClinGen allele CA2739266824.

ClinVar aggregate classification (germline): Pathogenic (1 of 4 stars; one submission).

Submission:

Labcorp Genetics (formerly Invitae), Labcorp
Classification: Pathogenic. Last evaluated: 2023-02-22. Review status: criteria provided, single submitter. Criteria: Invitae Variant Classification Sherloc (09022015). Collection method: clinical testing. Allele origin: germline.
Comment: For these reasons, this variant has been classified as Pathogenic. This variant disrupts a region of the TK2 protein in which other variant(s) (p.R254*) have been determined to be pathogenic (PMID: 12655576). This suggests that this is a clinically significant region of the protein, and that variants that disrupt it are likely to be disease-causing. This variant has not been reported in the literature in individuals affected with TK2-related conditions. This variant is not present in population databases (gnomAD no frequency). This sequence change creates a premature translational stop signal (p.Phe248*) in the TK2 gene. While this is not anticipated to result in nonsense mediated decay, it is expected to disrupt the last 18 amino acid(s) of the TK2 protein.

Literature cited by the submitters: PubMed 12655576.